The following is an entry in ClinVar:

NM_015512.5(DNAH1):c.7513A>C (p.Asn2505His)

Gene: DNAH1 (dynein axonemal heavy chain 1; plus strand). Cytogenetic location: 3p21.1.
Variant type: single nucleotide variant.
Coding change: c.7513A>C on transcript NM_015512.5 (MANE Select); coding-DNA position 7513, A replaced by C.
Protein change: p.Asn2505His; replaces asparagine 2505 with histidine.
Molecular consequence: missense variant.
Genome position (GRCh38, 1-based): chr3:52,380,040, A>C. VCF-style: chr3-52380040-A-C. GRCh37 (hg19) VCF-style: chr3-52414056-A-C.
Other names: short protein forms N2505H.
Identifiers: ClinVar variation 2926241 (VCV002926241.1), dbSNP rs770933781, ClinGen allele CA2434900.

ClinVar aggregate classification (germline): Uncertain significance (1 of 4 stars; one submission).

Conditions:
Spermatogenic failure 18. Identifiers: MedGen C4539783, MONDO:0054615, OMIM 617576.
Ciliary dyskinesia, primary, 37 (CILD37). Also called: CILIARY DYSKINESIA, PRIMARY, 37, WITH OR WITHOUT SITUS INVERSUS. Identifiers: MedGen C4539798, MONDO:0033204, OMIM 617577.

Allele frequency attached by ClinVar (database versions not stated): gnomAD exomes 0.00001; ExAC 0.00002; gnomAD 0.00002; TOPMed 0.00003.
gnomAD v4.1: 11 of 1,601,306 alleles (0.00069%); highest among the groups gnomAD compares: African/African-American, 0.015%; no homozygotes.

Submission:

Labcorp Genetics (formerly Invitae), Labcorp
Classification: Uncertain significance for Ciliary dyskinesia, primary, 37; Spermatogenic failure 18. Last evaluated: 2023-09-19. Review status: criteria provided, single submitter. Criteria: Invitae Variant Classification Sherloc (09022015). Collection method: clinical testing. Allele origin: germline.
Comment: This sequence change replaces asparagine, which is neutral and polar, with histidine, which is basic and polar, at codon 2505 of the DNAH1 protein (p.Asn2505His). This variant is present in population databases (rs770933781, gnomAD 0.02%). This variant has not been reported in the literature in individuals affected with DNAH1-related conditions. Advanced modeling of protein sequence and biophysical properties (such as structural, functional, and spatial information, amino acid conservation, physicochemical variation, residue mobility, and thermodynamic stability) performed at Invitae indicates that this missense variant is not expected to disrupt DNAH1 protein function. In summary, the available evidence is currently insufficient to determine the role of this variant in disease. Therefore, it has been classified as a Variant of Uncertain Significance.